The following is an entry in ClinVar:

NM_001289104.2(PRKCSH):c.659A>G (p.Glu220Gly)

Gene: PRKCSH (PRKCSH beta subunit of glucosidase II; plus strand). Cytogenetic location: 19p13.2.
Variant type: single nucleotide variant.
Coding change: c.659A>G on transcript NM_001289104.2 (MANE Select); coding-DNA position 659, A replaced by G.
Protein change: p.Glu220Gly; replaces glutamic acid 220 with glycine.
Molecular consequence: missense variant.
Genome position (GRCh38, 1-based): chr19:11,445,449, A>G. VCF-style: chr19-11445449-A-G. GRCh37 (hg19) VCF-style: chr19-11556264-A-G.
Other names: c.659A>G, p.Glu220Gly (NM_001001329.3, NM_001289102.2, NM_001289103.2 and 3 more transcripts); short protein forms E220G.
Identifiers: ClinVar variation 3614454 (VCV003614454.2).

ClinVar aggregate classification (germline): Uncertain significance (1 of 4 stars; one submission).

Submission:

Labcorp Genetics (formerly Invitae), Labcorp
Classification: Uncertain significance. Last evaluated: 2024-06-29. Review status: criteria provided, single submitter. Criteria: Invitae Variant Classification Sherloc (09022015). Collection method: clinical testing. Allele origin: germline.
Comment: This sequence change replaces glutamic acid, which is acidic and polar, with glycine, which is neutral and non-polar, at codon 220 of the PRKCSH protein (p.Glu220Gly). This variant is present in population databases (no rsID available, gnomAD 0.003%). This variant has not been reported in the literature in individuals affected with PRKCSH-related conditions. An algorithm developed to predict the effect of missense changes on protein structure and function (PolyPhen-2) suggests that this variant is likely to be disruptive. In summary, the available evidence is currently insufficient to determine the role of this variant in disease. Therefore, it has been classified as a Variant of Uncertain Significance.